The following is an entry in ClinVar:

ClinVar aggregate classification (germline): Uncertain significance (1 of 4 stars; one submission).

Conditions:
Hereditary cancer-predisposing syndrome. Also called: Hereditary Cancer Syndrome; Hereditary neoplastic syndrome; Neoplastic Syndromes, Hereditary; Tumor predisposition. Identifiers: Orphanet 140162, MedGen C0027672, MeSH D009386, MONDO:0015356.

Submission:

Ambry Genetics
Classification: Uncertain significance for Hereditary cancer-predisposing syndrome. Last evaluated: 2021-12-08. Review status: criteria provided, single submitter. Criteria: Ambry Variant Classification Scheme 2023. Collection method: clinical testing. Allele origin: germline.
Comment: The p.H438P variant (also known as c.1313A>C), located in coding exon 13 of the MUTYH gene, results from an A to C substitution at nucleotide position 1313. The histidine at codon 438 is replaced by proline, an amino acid with similar properties. This amino acid position is conserved. In addition, the in silico prediction for this alteration is inconclusive. Since supporting evidence is limited at this time, the clinical significance of this alteration remains unclear.

NM_001048174.2(MUTYH):c.1229A>C (p.His410Pro)

Gene: MUTYH (mutY DNA glycosylase; minus strand). Cytogenetic location: 1p34.1.
Variant type: single nucleotide variant.
Coding change: c.1229A>C on transcript NM_001048174.2 (MANE Select); coding-DNA position 1229, A replaced by C.
Protein change: p.His410Pro; replaces histidine 410 with proline.
Molecular consequence: missense variant. On other transcripts: non-coding transcript variant (2).
Genome position (GRCh38, 1-based): chr1:45,331,430, T>G on the plus strand (A>C on the coding strand, the complement: MUTYH is on the minus strand). VCF-style: chr1-45331430-T-G. GRCh37 (hg19) VCF-style: chr1-45797102-T-G.
Other names: c.1229A>C, p.His410Pro (NM_001048171.2, NM_001048173.2, NM_001293195.2 and 6 more transcripts); c.1232A>C, p.His411Pro (NM_001048172.2, NM_001407071.1, NM_001407078.1 and 1 more transcripts); c.1313A>C, p.His438Pro (NM_001128425.2); c.1274A>C, p.His425Pro (NM_001293190.2); c.1262A>C, p.His421Pro (NM_001293191.2, NM_001407069.1, NM_001407077.1); c.953A>C, p.His318Pro (NM_001293192.2, NM_001293196.2, NM_001407091.1); c.884A>C, p.His295Pro (NM_001350650.2, NM_001350651.2, NM_001407082.1); c.1145A>C, p.His382Pro (NM_001407075.1); and 5 more; short protein forms H411P, H382P, H424P, H397P, H421P, H425P, H438P, H295P.
Identifiers: ClinVar variation 1769716 (VCV001769716.2), dbSNP rs761084380, ClinGen allele CA340132844.